The following is an entry in ClinVar:

NM_006231.4(POLE):c.6313A>G (p.Ile2105Val)

Gene: POLE (DNA polymerase epsilon, catalytic subunit; minus strand). Cytogenetic location: 12q24.33.
Variant type: single nucleotide variant.
Coding change: c.6313A>G on transcript NM_006231.4 (MANE Select); coding-DNA position 6313, A replaced by G.
Protein change: p.Ile2105Val; replaces isoleucine 2105 with valine.
Molecular consequence: missense variant.
Genome position (GRCh38, 1-based): chr12:132,632,332, T>C on the plus strand (A>G on the coding strand, the complement: POLE is on the minus strand). VCF-style: chr12-132632332-T-C. GRCh37 (hg19) VCF-style: chr12-133208918-T-C.
Other names: short protein forms I2105V.
Identifiers: ClinVar variation 540636 (VCV000540636.14), dbSNP rs1555220868, ClinGen allele CA387369228.

ClinVar aggregate classification (germline): Conflicting classifications of pathogenicity. Review status: criteria provided, conflicting classifications (1 of 4 stars). 2 submissions from 2 submitters: Uncertain significance (1); Likely benign (1). Last evaluated 2025-05-19.

Conditions:
Hereditary cancer-predisposing syndrome. Also called: Neoplastic Syndromes, Hereditary; Hereditary Cancer Syndrome; Hereditary neoplastic syndrome; Tumor predisposition. Identifiers: Orphanet 140162, MedGen C0027672, MeSH D009386, MONDO:0015356.

Allele frequency attached by ClinVar (database versions not stated): gnomAD below 0.00001 and 0.00001; TOPMed below 0.00001.
gnomAD v4.1: 3 of 1,613,948 alleles (0.00019%); highest among the groups gnomAD compares: South Asian, 0.0033%; no homozygotes.

Submissions (2):

Labcorp Genetics (formerly Invitae), Labcorp
Classification: Uncertain significance. Last evaluated: 2025-05-19. Review status: criteria provided, single submitter. Criteria: Invitae Variant Classification Sherloc (09022015). Collection method: clinical testing. Allele origin: germline.
Comment: This sequence change replaces isoleucine, which is neutral and non-polar, with valine, which is neutral and non-polar, at codon 2105 of the POLE protein (p.Ile2105Val). This variant is not present in population databases (gnomAD no frequency). This variant has not been reported in the literature in individuals affected with POLE-related conditions. ClinVar contains an entry for this variant (Variation ID: 540636). Invitae Evidence Modeling of protein sequence and biophysical properties (such as structural, functional, and spatial information, amino acid conservation, physicochemical variation, residue mobility, and thermodynamic stability) indicates that this missense variant is not expected to disrupt POLE protein function with a negative predictive value of 80%. In summary, the available evidence is currently insufficient to determine the role of this variant in disease. Therefore, it has been classified as a Variant of Uncertain Significance.

Ambry Genetics
Classification: Likely benign for Hereditary cancer-predisposing syndrome. Last evaluated: 2024-03-29. Review status: criteria provided, single submitter. Criteria: Ambry Variant Classification Scheme 2023. Collection method: clinical testing. Allele origin: germline.